The following is an entry in ClinVar:

NM_015662.3(IFT172):c.4130C>T (p.Ala1377Val)

Gene: IFT172 (intraflagellar transport 172; minus strand). Cytogenetic location: 2p23.3.
Variant type: single nucleotide variant.
Coding change: c.4130C>T on transcript NM_015662.3 (MANE Select); coding-DNA position 4130, C replaced by T.
Protein change: p.Ala1377Val; replaces alanine 1377 with valine.
Molecular consequence: missense variant.
Genome position (GRCh38, 1-based): chr2:27,449,721, G>A on the plus strand (C>T on the coding strand, the complement: IFT172 is on the minus strand). VCF-style: chr2-27449721-G-A. GRCh37 (hg19) VCF-style: chr2-27672588-G-A.
Other names: short protein forms A1377V.
Identifiers: ClinVar variation 835029 (VCV000835029.12), dbSNP rs376824384, ClinGen allele CA1579716.

ClinVar aggregate classification (germline): Conflicting classifications of pathogenicity. Review status: criteria provided, conflicting classifications (1 of 4 stars). 7 submissions from 7 submitters: Uncertain significance (2); Likely benign (1). 4 of the submissions do not count toward it. Last evaluated 2024-12-02.

Conditions:
IFT172-related disorder. Also called: IFT172-related disorders; IFT172-related condition.
Bardet-Biedl syndrome 20. Identifiers: MedGen C4310707, MONDO:0023670, OMIM 619471, MONDO:0014926.
Short-rib thoracic dysplasia 10 with or without polydactyly (SRTD10). Identifiers: Orphanet 474, MedGen C3810175, MONDO:0014284, OMIM 615630.
Retinitis pigmentosa 71 (RP71). Identifiers: Orphanet 791, MedGen C4225342, MONDO:0014618, OMIM 616394.
Retinal dystrophy. Also called: Inherited retinal dystrophy. Identifiers: Orphanet 71862, MedGen C0854723, MeSH D058499, MONDO:0019118, HP:0000556.

Allele frequency attached by ClinVar (database versions not stated): gnomAD 0.00003; TOPMed 0.00003; ESP Exome Variant Server 0.00008; ExAC 0.00012; gnomAD exomes 0.00012.
gnomAD v4.1: 255 of 1,613,778 alleles (0.016%); highest among the groups gnomAD compares: Middle Eastern, 0.033%; 1 homozygote.

Submissions (7):

Labcorp Genetics (formerly Invitae), Labcorp
Classification: Uncertain significance for Retinitis pigmentosa 71; Short-rib thoracic dysplasia 10 with or without polydactyly. Last evaluated: 2024-12-02. Review status: criteria provided, single submitter. Criteria: Invitae Variant Classification Sherloc (09022015). Collection method: clinical testing. Allele origin: germline.
Comment: This sequence change replaces alanine, which is neutral and non-polar, with valine, which is neutral and non-polar, at codon 1377 of the IFT172 protein (p.Ala1377Val). This variant is present in population databases (rs376824384, gnomAD 0.03%). This variant has not been reported in the literature in individuals affected with IFT172-related conditions. ClinVar contains an entry for this variant (Variation ID: 835029). Invitae Evidence Modeling of protein sequence and biophysical properties (such as structural, functional, and spatial information, amino acid conservation, physicochemical variation, residue mobility, and thermodynamic stability) has been performed for this missense variant. However, the output from this modeling did not meet the statistical confidence thresholds required to predict the impact of this variant on IFT172 protein function. In summary, the available evidence is currently insufficient to determine the role of this variant in disease. Therefore, it has been classified as a Variant of Uncertain Significance.

Blueprint Genetics
Classification: Likely benign. Last evaluated: 2024-08-06. Review status: criteria provided, single submitter. Criteria: ACMG Guidelines, 2015. Collection method: clinical testing. Allele origin: germline.

Fulgent Genetics
Classification: Uncertain significance for Short-rib thoracic dysplasia 10 with or without polydactyly; Retinitis pigmentosa 71; Bardet-Biedl syndrome 20. Last evaluated: 2024-03-26. Review status: criteria provided, single submitter. Criteria: ACMG Guidelines, 2015. Collection method: clinical testing. Allele origin: germline.

PreventionGenetics, part of Exact Sciences
Classification: Uncertain significance for IFT172-related condition. Last evaluated: 2024-06-04. Review status: no assertion criteria provided. Collection method: clinical testing. Allele origin: germline. Not counted in ClinVar's aggregate classification.
Comment: The IFT172 c.4130C>T variant is predicted to result in the amino acid substitution p.Ala1377Val. To our knowledge, this variant has not been reported in the literature. This variant is reported in 0.028% of alleles in individuals of Latino descent in gnomAD. At this time, the clinical significance of this variant is uncertain due to the absence of conclusive functional and genetic evidence.

Institute of Human Genetics, Univ. Regensburg, Univ. Regensburg
Classification: Uncertain significance for Retinal dystrophy. Last evaluated: 2017-01-01. Review status: no assertion criteria provided. Criteria: ACMG Guidelines, 2015. Collection method: clinical testing. Allele origin: germline. Affected: yes. Not counted in ClinVar's aggregate classification.

Clinical Genetics DNA and cytogenetics Diagnostics Lab, Erasmus MC, Erasmus Medical Center
Classification: Uncertain significance. Review status: no assertion criteria provided. Collection method: clinical testing. Allele origin: germline. Affected: yes. Study: VKGL Data-share Consensus. Not counted in ClinVar's aggregate classification.

Laboratory of Diagnostic Genome Analysis, Leiden University Medical Center (LUMC)
Classification: Uncertain significance. Review status: no assertion criteria provided. Collection method: clinical testing. Allele origin: germline. Affected: yes. Study: VKGL Data-share Consensus. Not counted in ClinVar's aggregate classification.